The following is an entry in ClinVar:

ClinVar aggregate classification (germline): Likely benign. Review status: criteria provided, multiple submitters, no conflicts (2 of 4 stars). 2 submissions from 2 submitters: Likely benign (2). Last evaluated 2025-10-31.

Conditions:
Hereditary sensory neuropathy-deafness-dementia syndrome. Also called: Hereditary sensory neuropathy type IE; Hereditary Sensory and Autonomic Neuropathy Type 1E (HSAN1E); HSN IE; NEUROPATHY, HEREDITARY SENSORY, WITH HEARING LOSS AND DEMENTIA. Identifiers: Orphanet 456318, MedGen C3279885, MONDO:0013584, OMIM 614116.

Allele frequency attached by ClinVar (database versions not stated): ExAC 0.00002; gnomAD exomes 0.00004 and 0.00007; gnomAD 0.00005; TOPMed 0.00006; ESP Exome Variant Server 0.00031.
gnomAD v4.1: 110 of 1,613,786 alleles (0.0068%); highest among the groups gnomAD compares: Non-Finnish European, 0.0092%; no homozygotes.

Submissions (2):

Labcorp Genetics (formerly Invitae), Labcorp
Classification: Likely benign for Hereditary sensory neuropathy-deafness-dementia syndrome. Last evaluated: 2025-10-31. Review status: criteria provided, single submitter. Criteria: Invitae Variant Classification Sherloc (09022015). Collection method: clinical testing. Allele origin: germline.

Illumina Laboratory Services, Illumina
Classification: Likely benign for Hereditary sensory neuropathy-deafness-dementia syndrome. Last evaluated: 2018-01-12. Review status: criteria provided, single submitter. Criteria: ICSL Variant Classification Criteria 13 December 2019. Collection method: clinical testing. Allele origin: germline.
Comment: This variant was observed in the ICSL laboratory as part of a predisposition screen in an ostensibly healthy population. It had not been previously curated by ICSL or reported in the Human Gene Mutation Database (HGMD: prior to June 1st, 2018), and was therefore a candidate for classification through an automated scoring system. Utilizing variant allele frequency, disease prevalence and penetrance estimates, and inheritance mode, an automated score was calculated to assess if this variant is too frequent to cause the disease. Based on the score and internal cut-off values, a variant classified as likely benign is not then subjected to further curation. The score for this variant resulted in a classification of likely benign for this disease.

NM_001130823.3(DNMT1):c.2019+15G>C

Gene: DNMT1 (DNA methyltransferase 1; minus strand). Cytogenetic location: 19p13.2.
Variant type: single nucleotide variant.
Coding change: c.2019+15G>C on transcript NM_001130823.3 (MANE Select); 15 bases into the intron after coding-DNA position 2019, G replaced by C.
Molecular consequence: intron variant.
Genome position (GRCh38, 1-based): chr19:10,154,278, C>G on the plus strand (G>C on the coding strand, the complement: DNMT1 is on the minus strand). VCF-style: chr19-10154278-C-G. GRCh37 (hg19) VCF-style: chr19-10264954-C-G.
Other names: c.1656+15G>C (NM_001318731.2); c.1971+15G>C (NM_001379.4, NM_001318730.2); c.2019+15G>C (LRG_362t1).
Identifiers: ClinVar variation 327906 (VCV000327906.12), dbSNP rs370849760, ClinGen allele CA9188151.